The following is an entry in ClinVar:

ClinVar aggregate classification (germline): Uncertain significance (1 of 4 stars; one submission).

Allele frequency attached by ClinVar (database versions not stated): gnomAD exomes below 0.00001 and 0.00001; 1000 Genomes Project 0.00020; gnomAD 0.00002 and 0.00001; TOPMed 0.00001; 1000 Genomes Project 30x 0.00016.
gnomAD v4.1: 11 of 1,613,646 alleles (0.00068%); highest among the groups gnomAD compares: East Asian, 0.0067%; no homozygotes.

Submission:

Labcorp Genetics (formerly Invitae), Labcorp
Classification: Uncertain significance. Last evaluated: 2025-07-22. Review status: criteria provided, single submitter. Criteria: Invitae Variant Classification Sherloc (09022015). Collection method: clinical testing. Allele origin: germline.
Comment: This sequence change replaces arginine, which is basic and polar, with glutamine, which is neutral and polar, at codon 893 of the CDH2 protein (p.Arg893Gln). This variant is present in population databases (rs201294768, gnomAD 0.004%). This variant has not been reported in the literature in individuals affected with CDH2-related conditions. ClinVar contains an entry for this variant (Variation ID: 1509836). An algorithm developed to predict the effect of missense changes on protein structure and function (PolyPhen-2) suggests that this variant is likely to be disruptive. In summary, the available evidence is currently insufficient to determine the role of this variant in disease. Therefore, it has been classified as a Variant of Uncertain Significance.

NM_001792.5(CDH2):c.2678G>A (p.Arg893Gln)

Genes: CDH2 (cadherin 2; minus strand), CDH2-AS1 (CDH2 antisense RNA 1; plus strand). Cytogenetic location: 18q12.1.
Variant type: single nucleotide variant.
Coding change: c.2678G>A on transcript NM_001792.5 (MANE Select); coding-DNA position 2678, G replaced by A.
Protein change: p.Arg893Gln; replaces arginine 893 with glutamine.
Molecular consequence: missense variant.
Genome position (GRCh38, 1-based): chr18:27,952,196, C>T on the plus strand (G>A on the coding strand, the complement: CDH2 is on the minus strand). VCF-style: chr18-27952196-C-T. GRCh37 (hg19) VCF-style: chr18-25532160-C-T.
Other names: c.2585G>A, p.Arg862Gln (NM_001308176.2); short protein forms R893Q, R862Q.
Identifiers: ClinVar variation 1509836 (VCV001509836.6), dbSNP rs201294768, ClinGen allele CA297652963.
Genomic context (GRCh38, chr18:27,952,196, plus strand): 5'-CAAGTTCACCCTGAAGTTCAGTCATCACCTCCACCATACATGTCAGCAAGTTTCTTGAAC[C>T]GTGGCCCCCAGTCGTTCAGGTAATCATAGTCCTGCTCACCACCACTACTTGAGGAATTAA-3'
Protein context (NP_001783.2, residues 883-903): DYDYLNDWGP[Arg893Gln]FKKLADMYGG